The following is an entry in ClinVar:

ClinVar aggregate classification (germline): Uncertain significance (1 of 4 stars; one submission).

Conditions:
Hereditary spastic paraplegia 8 (SPG8). Also called: SPASTIC PARAPLEGIA 8, AUTOSOMAL DOMINANT. Identifiers: Orphanet 100989, MedGen C1863704, MONDO:0011339, OMIM 603563.
Ritscher-Schinzel syndrome 1 (RTSC1). Identifiers: Orphanet 7, MedGen C4551776, MONDO:0009073, OMIM 220210.

Submission:

Juno Genomics, Hangzhou Juno Genomics, Inc
Classification: Uncertain significance for Ritscher-Schinzel syndrome 1; Hereditary spastic paraplegia 8. Review status: criteria provided, single submitter. Criteria: ACMG Guidelines, 2015. Collection method: clinical testing. Allele origin: germline.
Comment: Absent from controls (or at extremely low frequency if recessive) in Genome Aggregation Database.;Multiple lines of computational evidence support a deleterious effect on the gene or gene product.

NM_014846.4(WASHC5):c.1084C>G (p.Leu362Val)

Gene: WASHC5 (WASH complex subunit 5; minus strand). Cytogenetic location: 8q24.13.
Variant type: single nucleotide variant.
Coding change: c.1084C>G on transcript NM_014846.4 (MANE Select); coding-DNA position 1084, C replaced by G.
Protein change: p.Leu362Val; replaces leucine 362 with valine.
Molecular consequence: missense variant.
Genome position (GRCh38, 1-based): chr8:125,073,219, G>C on the plus strand (C>G on the coding strand, the complement: WASHC5 is on the minus strand). VCF-style: chr8-125073219-G-C. GRCh37 (hg19) VCF-style: chr8-126085461-G-C.
Other names: c.640C>G, p.Leu214Val (NM_001330609.2); short protein forms L214V, L362V.
Identifiers: ClinVar variation 5007272 (VCV005007272.2).